The following is an entry in ClinVar:

NM_000216.4(ANOS1):c.463A>G (p.Asn155Asp)

Gene: ANOS1 (anosmin 1; minus strand). Cytogenetic location: Xp22.31.
Variant type: single nucleotide variant.
Coding change: c.463A>G on transcript NM_000216.4 (MANE Select); coding-DNA position 463, A replaced by G.
Protein change: p.Asn155Asp; replaces asparagine 155 with aspartic acid.
Molecular consequence: missense variant.
Genome position (GRCh38, 1-based): chrX:8,597,112, T>C on the plus strand (A>G on the coding strand, the complement: ANOS1 is on the minus strand). VCF-style: chrX-8597112-T-C. GRCh37 (hg19) VCF-style: chrX-8565153-T-C.
Other names: short protein forms N155D.
Identifiers: ClinVar variation 389515 (VCV000389515.6), dbSNP rs143079588, ClinGen allele CA10343799.

ClinVar aggregate classification (germline): Benign/Likely benign. Review status: criteria provided, multiple submitters, no conflicts (2 of 4 stars). 2 submissions from 2 submitters: Benign (1); Likely benign (1). Last evaluated 2025-11-23.

Conditions:
Hypogonadotropic hypogonadism 1 with or without anosmia (HH1). Also called: KAL1-Related GnRH Deficiency (Kallmann Syndrome 1; Kallmann Syndrome, X-Linked); Hypogonadotropic hypogonadism 1 with or without anosmia (Kallmann syndrome 1); HYPOGONADOTROPIC HYPOGONADISM 1 WITH ANOSMIA; Kallmann syndrome, type 1, X-linked; DYSPLASIA OLFACTOGENITALIS OF DE MORSIER; HYPOGONADOTROPIC HYPOGONADISM AND ANOSMIA. Identifiers: Orphanet 478, MedGen C1563719, MONDO:0010635, OMIM 308700. Disease mechanism: loss of function.

Allele frequency attached by ClinVar (database versions not stated): gnomAD 0.00028 and 0.00039; TOPMed 0.00053; gnomAD exomes 0.00062 and 0.00017; 1000 Genomes Project 0.00185; 1000 Genomes Project 30x 0.00166; ExAC 0.00068.
gnomAD v4.1: 229 of 1,209,425 alleles (0.019%); highest among the groups gnomAD compares: East Asian, 0.5%; no homozygotes.

Submissions (2):

Labcorp Genetics (formerly Invitae), Labcorp
Classification: Benign for Hypogonadotropic hypogonadism 1 with or without anosmia. Last evaluated: 2025-11-23. Review status: criteria provided, single submitter. Criteria: Invitae Variant Classification Sherloc (09022015). Collection method: clinical testing. Allele origin: germline.

GeneDx
Classification: Likely benign. Last evaluated: 2016-09-21. Review status: criteria provided, single submitter. Criteria: GeneDx Variant Classification (06012015). Collection method: clinical testing. Allele origin: germline. Affected: yes.
Comment: This variant is considered likely benign or benign based on one or more of the following criteria: it is a conservative change, it occurs at a poorly conserved position in the protein, it is predicted to be benign by multiple in silico algorithms, and/or has population frequency not consistent with disease.